The following is an entry in ClinVar:

ClinVar aggregate classification (germline): Likely benign (1 of 4 stars; one submission).

Conditions:
TTR-related disorder. Also called: TTR-related condition; TTR-related disorders.

Submission:

PreventionGenetics, part of Exact Sciences
Classification: Likely benign for TTR-related condition. Last evaluated: 2025-08-15. Review status: criteria provided, single submitter. Criteria: ACMG Guidelines, 2015. Collection method: clinical testing. Allele origin: germline.
Comment: This variant is classified as likely benign based on ACMG/AMP sequence variant interpretation guidelines (Richards et al. 2015 PMID: 25741868, with internal and published modifications).

NM_000371.4(TTR):c.*30C>T

Gene: TTR (transthyretin; plus strand). Cytogenetic location: 18q12.1.
Variant type: single nucleotide variant.
Coding change: c.*30C>T on transcript NM_000371.4 (MANE Select); 30 bases downstream of the stop codon, C replaced by T.
Molecular consequence: 3 prime UTR variant.
Genome position (GRCh38, 1-based): chr18:31,598,705, C>T. VCF-style: chr18-31598705-C-T. GRCh37 (hg19) VCF-style: chr18-29178668-C-T.
Identifiers: ClinVar variation 4984201 (VCV004984201.1).
Genomic context (GRCh38, chr18:31,598,705, plus strand): 5'-CACGGCTGTCGTCACCAATCCCAAGGAATGAGGGACTTCTCCTCCAGTGGACCTGAAGGA[C>T]GAGGGATGGGATTTCATGTAACCAAGAGTATTCCATTTTTACTAAAGCAGTGTTTTCACC-3'